The following is an entry in ClinVar:

NM_001319217.2(CYP1A1):c.1382C>A (p.Thr461Asn)

Gene: CYP1A1 (cytochrome P450 family 1 subfamily A member 1; minus strand). Cytogenetic location: 15q24.1.
Variant type: single nucleotide variant.
Coding change: c.1382C>A on transcript NM_001319217.2 (MANE Select); coding-DNA position 1382, C replaced by A.
Protein change: p.Thr461Asn; replaces threonine 461 with asparagine.
Molecular consequence: missense variant.
Genome position (GRCh38, 1-based): chr15:74,720,646, G>T on the plus strand (C>A on the coding strand, the complement: CYP1A1 is on the minus strand). VCF-style: chr15-74720646-G-T. GRCh37 (hg19) VCF-style: chr15-75012987-G-T.
Other names: c.1382C>A, p.Thr461Asn (NM_000499.5); c.1295C>A, p.Thr432Asn (NM_001319216.2); short protein forms T432N, T461N.
Identifiers: ClinVar variation 3056253 (VCV003056253.2), dbSNP rs1799814, ClinGen allele CA7659242.

ClinVar aggregate classification (germline): Benign (0 of 4 stars; one submission).

Conditions:
CYP1A1-related disorder. Also called: CYP1A1-related condition.

Allele frequency attached by ClinVar (database versions not stated): 1000 Genomes Project 0.01378; 1000 Genomes Project 30x 0.01499; TOPMed 0.03198; ESP Exome Variant Server 0.03527.

Submission:

PreventionGenetics, part of Exact Sciences
Classification: Benign for CYP1A1-related condition. Last evaluated: 2019-10-28. Review status: no assertion criteria provided. Collection method: clinical testing. Allele origin: germline.
Comment: This variant is classified as benign based on ACMG/AMP sequence variant interpretation guidelines (Richards et al. 2015 PMID: 25741868, with internal and published modifications).